The following is an entry in ClinVar:

NM_004168.4(SDHA):c.1024GTG[1] (p.Val343del)

Gene: SDHA (succinate dehydrogenase complex flavoprotein subunit A; plus strand). Cytogenetic location: 5p15.33.
Variant type: Microsatellite.
Coding change: c.1024GTG[1] on transcript NM_004168.4 (MANE Select); one copy of the 3-base unit GTG starting at c.1024; the reference has two copies in a row; one copy, 3 bases deleted.
Protein change: p.Val343del; deletes valine 343.
Molecular consequence: inframe deletion.
Genome position (GRCh38, 1-based): chr5:233,608-233,610, GTG deleted; deleting any 3 consecutive bases within chr5:233,605-233,610 gives the same sequence; the position shown is the placement nearest the transcript's 3' end. VCF-style (leftmost placement, unchanged base first): chr5-233604-TGTG-T. GRCh37 (hg19) VCF-style: chr5-233719-TGTG-T.
Other names: c.880GTG[1], p.Val295del (NM_001294332.2); c.1024GTG[1], p.Val343del (NM_001330758.2); c.1027_1029delGTG (NM_004168.2); short protein forms V295del, V343del.
Identifiers: ClinVar variation 1359530 (VCV001359530.9), dbSNP rs2126578027, ClinGen allele CA2580613497.
Genomic context (GRCh38, chr5:233,604, plus strand): 5'-TCAAGGCGAAAGGTTTATGGAGCGATACGCCCCTGTCGCGAAGGACCTGGCGTCTAGAGA[TGTG>T]GTGTCTCGGTCCATGACTCTGGAGATCCGAGAAGGAAGGTGCGTGTGATTTACCACCAGC-3'

ClinVar aggregate classification (germline): Uncertain significance. Review status: criteria provided, multiple submitters, no conflicts (2 of 4 stars). 2 submissions from 2 submitters: Uncertain significance (2). Last evaluated 2025-06-12.

Conditions:
Mitochondrial complex II deficiency, nuclear type 1. Also called: SUCCINATE CoQ REDUCTASE DEFICIENCY. Identifiers: Orphanet 3208, MedGen C5700310, MONDO:0100294, OMIM 252011.
Pheochromocytoma/paraganglioma syndrome 5. Also called: Paragangliomas 5; SDHA-Related Hereditary Paraganglioma-Pheochromocytoma Syndrome. Identifiers: Orphanet 29072, MedGen C3279992, MONDO:0013602, OMIM 614165.
Hereditary cancer-predisposing syndrome. Also called: Tumor predisposition; Hereditary Cancer Syndrome; Hereditary neoplastic syndrome; Neoplastic Syndromes, Hereditary. Identifiers: Orphanet 140162, MedGen C0027672, MeSH D009386, MONDO:0015356.

Submissions (2):

Ambry Genetics
Classification: Uncertain significance for Hereditary cancer-predisposing syndrome. Last evaluated: 2025-06-12. Review status: criteria provided, single submitter. Criteria: Ambry Variant Classification Scheme 2023. Collection method: clinical testing. Allele origin: germline.
Comment: The c.1027_1029delGTG variant (also known as p.V343del) is located in coding exon 8 of the SDHA gene. This variant results from an in-frame GTG deletion at nucleotide positions 1027 to 1029. This results in the in-frame deletion of a valine at codon 343. This amino acid position is highly conserved in available vertebrate species. In addition, this variant is predicted to be deleterious by in silico analysis (Choi Y et al. PLoS ONE. 2012; 7(10):e46688). Based on the available evidence, the clinical significance of this variant remains unclear.

Labcorp Genetics (formerly Invitae), Labcorp
Classification: Uncertain significance for Pheochromocytoma/paraganglioma syndrome 5; Mitochondrial complex II deficiency, nuclear type 1. Last evaluated: 2022-11-22. Review status: criteria provided, single submitter. Criteria: Invitae Variant Classification Sherloc (09022015). Collection method: clinical testing. Allele origin: germline.
Comment: This variant is not present in population databases (gnomAD no frequency). This variant has not been reported in the literature in individuals affected with SDHA-related conditions. Experimental studies and prediction algorithms are not available or were not evaluated, and the functional significance of this variant is currently unknown. This variant, c.1027_1029del, results in the deletion of 1 amino acid(s) of the SDHA protein (p.Val343del), but otherwise preserves the integrity of the reading frame. In summary, the available evidence is currently insufficient to determine the role of this variant in disease. Therefore, it has been classified as a Variant of Uncertain Significance.